The following is an entry in ClinVar:

GRCh38/hg38 Xq12-21.1(chrX:67621041-76868590)x2

Genes: FTX (FTX transcript, XIST regulator; minus strand), GCNA (germ cell nuclear acidic peptidase; plus strand), GDPD2 (glycerophosphodiester phosphodiesterase domain containing 2; plus strand), GJB1 (gap junction protein beta 1; plus strand), HDAC8 (histone deacetylase 8; minus strand) and 172 more. Cytogenetic location: Xq12-21.1.
Variant type: copy number gain.
Change: copy number 2 of chrX:67,621,041-76,868,590 (9.25 Mb, GRCh38 coordinates, 1-based), cytogenetic band Xq12-21.1.
Identifiers: ClinVar variation 58640 (VCV000058640.1).

ClinVar aggregate classification (germline): Pathogenic (1 of 4 stars; one submission).

Submission:

ISCA site 15
Classification: Pathogenic. Last evaluated: 2011-08-12. Review status: criteria provided, single submitter. Criteria: Kaminsky et al. (Genet Med. 2011). Collection method: clinical testing. Allele origin: maternal. Affected: yes. Observed: 1 variant allele.
Comment: Copy number variation identified through the course of routine clinical cytogenomic testing in postnatal populations. Clinical assertions have been curated as described in Kaminsky et al. 2011.